The following is an entry in ClinVar:

ClinVar aggregate classification (germline): Uncertain significance. Review status: criteria provided, multiple submitters, no conflicts (2 of 4 stars). 3 submissions from 3 submitters: Uncertain significance (3). Last evaluated 2024-01-03.

Conditions:
RYR1-related disorder. Also called: RYR1-related disorders; RYR1-related condition. Identifiers: MedGen CN239331.
Malignant hyperthermia, susceptibility to, 1 (MHS1). Also called: Anesthesia related hyperthermia; Malignant hyperpyrexia; Fulminating hyperpyrexia; Pharmacogenic myopathy; RYR1-Related Malignant Hyperthermia Susceptibility; Malignant hyperthermia suceptibility 1. Identifiers: Orphanet 423, MedGen C2930980, MONDO:0007783, OMIM 145600.

Allele frequency attached by ClinVar (database versions not stated): gnomAD 0.00001; gnomAD exomes 0.00001; TOPMed 0.00002.
gnomAD v4.1: 9 of 1,614,082 alleles (0.00056%); highest among the groups gnomAD compares: Admixed American, 0.012%; no homozygotes.

Submissions (3):

All of Us Research Program, National Institutes of Health
Classification: Uncertain significance for Malignant hyperthermia, susceptibility to, 1. Last evaluated: 2024-01-03. Review status: criteria provided, single submitter. Criteria: ACMG Guidelines, 2015. Collection method: clinical testing. Allele origin: germline. Inheritance: Autosomal dominant inheritance. Observed: 4 variant alleles, 4 heterozygotes.
Comment: This missense variant replaces valine with isoleucine at codon 1112 of the RYR1 protein. Computational prediction suggests that this variant may not impact protein structure and function (internally defined REVEL score threshold <= 0.5, PMID: 27666373). To our knowledge, functional studies have not been reported for this variant. This variant has not been reported in individuals affected with RYR1-related disorders in the literature. This variant has been identified in 6/251350 chromosomes in the general population by the Genome Aggregation Database (gnomAD). The available evidence is insufficient to determine the role of this variant in disease conclusively. Therefore, this variant is classified as a Variant of Uncertain Significance.

This study involves interpretation of variants in research participants for the purpose of population health screening. Participant phenotype was not available at the time of variant classification. Additional details can be found in publication PMID: 35346344, PMCID: PMC8962531

Labcorp Genetics (formerly Invitae), Labcorp
Classification: Uncertain significance for RYR1-related disorder. Last evaluated: 2023-12-04. Review status: criteria provided, single submitter. Criteria: Invitae Variant Classification Sherloc (09022015). Collection method: clinical testing. Allele origin: germline.
Comment: This sequence change replaces valine, which is neutral and non-polar, with isoleucine, which is neutral and non-polar, at codon 1112 of the RYR1 protein (p.Val1112Ile). This variant is present in population databases (no rsID available, gnomAD 0.02%). This variant has not been reported in the literature in individuals affected with RYR1-related conditions. ClinVar contains an entry for this variant (Variation ID: 2144314). Advanced modeling of protein sequence and biophysical properties (such as structural, functional, and spatial information, amino acid conservation, physicochemical variation, residue mobility, and thermodynamic stability) performed at Invitae indicates that this missense variant is not expected to disrupt RYR1 protein function with a negative predictive value of 95%. In summary, the available evidence is currently insufficient to determine the role of this variant in disease. Therefore, it has been classified as a Variant of Uncertain Significance.

Revvity Omics, Revvity
Classification: Uncertain significance. Last evaluated: 2019-04-26. Review status: criteria provided, single submitter. Criteria: ACMG Guidelines, 2015. Collection method: clinical testing. Allele origin: germline.

NM_000540.3(RYR1):c.3334G>A (p.Val1112Ile)

Gene: RYR1 (ryanodine receptor 1; plus strand). Cytogenetic location: 19q13.2.
Variant type: single nucleotide variant.
Coding change: c.3334G>A on transcript NM_000540.3 (MANE Select); coding-DNA position 3334, G replaced by A.
Protein change: p.Val1112Ile; replaces valine 1112 with isoleucine.
Molecular consequence: missense variant.
Genome position (GRCh38, 1-based): chr19:38,467,765, G>A. VCF-style: chr19-38467765-G-A. GRCh37 (hg19) VCF-style: chr19-38958405-G-A.
Other names: c.3334G>A, p.Val1112Ile (NM_001042723.2); short protein forms V1112I.
Identifiers: ClinVar variation 2144314 (VCV002144314.8), dbSNP rs894103148, ClinGen allele CA308077078.
Genomic context (GRCh38, chr19:38,467,765, plus strand): 5'-GAAGCAGTCACCACAGGCGAGATGCGCGTGGGCTGGGCGAGGCCCGAGCTGAGGCCTGAT[G>A]TAGAGCTGGGAGCTGACGAGCTGGCCTATGTCTTCAATGGGCACCGCGTGGGTACCTCCC-3'
Protein context (NP_000531.2, residues 1102-1122): GWARPELRPD[Val1112Ile]ELGADELAYV